The following is an entry in ClinVar:

NM_006904.7(PRKDC):c.3325G>A (p.Glu1109Lys)

Gene: PRKDC (protein kinase, DNA-activated, catalytic subunit; minus strand). Cytogenetic location: 8q11.21.
Variant type: single nucleotide variant.
Coding change: c.3325G>A on transcript NM_006904.7 (MANE Select); coding-DNA position 3325, G replaced by A.
Protein change: p.Glu1109Lys; replaces glutamic acid 1109 with lysine.
Molecular consequence: missense variant.
Genome position (GRCh38, 1-based): chr8:47,900,412, C>T on the plus strand (G>A on the coding strand, the complement: PRKDC is on the minus strand). VCF-style: chr8-47900412-C-T. GRCh37 (hg19) VCF-style: chr8-48812972-C-T.
Other names: c.3325G>A, p.Glu1109Lys (NM_001081640.2); short protein forms E1109K.
Identifiers: ClinVar variation 4769471 (VCV004769471.1).
Genomic context (GRCh38, chr8:47,900,412, plus strand): 5'-GAACACTGAAGCAAAACGTACCTAAGGACTTCTCATCTGCATGTGCTAAGGCCAGACTCT[C>T]CATGTATATCACCAAGGCTTCAAACACAAACTGTTCCACCAGAGACTCTTCTTCCCTGTA-3'
Protein context (NP_008835.5, residues 1099-1119): FVFEALVIYM[Glu1109Lys]SLALAHADEK

ClinVar aggregate classification (germline): Uncertain significance (1 of 4 stars; one submission).

Conditions:
Severe combined immunodeficiency due to DNA-PKcs deficiency. Also called: IMMUNODEFICIENCY 26 WITH NEUROLOGIC ABNORMALITIES; Immunodeficiency 26 with or without neurologic abnormalities. Identifiers: Orphanet 317425, MedGen C4014833, MONDO:0014423, OMIM 615966.

gnomAD v4.1: 1 of 1,611,942 alleles (0.000062%); no homozygotes.

Submission:

Labcorp Genetics (formerly Invitae), Labcorp
Classification: Uncertain significance for Severe combined immunodeficiency due to DNA-PKcs deficiency. Last evaluated: 2025-08-06. Review status: criteria provided, single submitter. Criteria: Invitae Variant Classification Sherloc (09022015). Collection method: clinical testing. Allele origin: germline.
Comment: This sequence change replaces glutamic acid, which is acidic and polar, with lysine, which is basic and polar, at codon 1109 of the PRKDC protein (p.Glu1109Lys). This variant is present in population databases (no rsID available, gnomAD no frequency). This variant has not been reported in the literature in individuals affected with PRKDC-related conditions. Invitae Evidence Modeling of protein sequence and biophysical properties (such as structural, functional, and spatial information, amino acid conservation, physicochemical variation, residue mobility, and thermodynamic stability) indicates that this missense variant is expected to disrupt PRKDC protein function with a positive predictive value of 80%. In summary, the available evidence is currently insufficient to determine the role of this variant in disease. Therefore, it has been classified as a Variant of Uncertain Significance.